The following is an entry in ClinVar:

NM_001931.5(DLAT):c.757G>T (p.Ala253Ser)

Gene: DLAT (dihydrolipoamide S-acetyltransferase; plus strand). Cytogenetic location: 11q23.1.
Variant type: single nucleotide variant.
Coding change: c.757G>T on transcript NM_001931.5 (MANE Select); coding-DNA position 757, G replaced by T.
Protein change: p.Ala253Ser; replaces alanine 253 with serine.
Molecular consequence: missense variant. On other transcripts: non-coding transcript variant (1), intron variant (2).
Genome position (GRCh38, 1-based): chr11:112,033,500, G>T. VCF-style: chr11-112033500-G-T. GRCh37 (hg19) VCF-style: chr11-111904224-G-T.
Other names: c.757G>T, p.Ala253Ser (NM_001372031.1, NM_001372032.1, NM_001372033.1 and 1 more transcripts); c.724G>T, p.Ala242Ser (NM_001372034.1); c.631G>T, p.Ala211Ser (NM_001372036.1); c.589G>T, p.Ala197Ser (NM_001372037.1); c.478G>T, p.Ala160Ser (NM_001372038.1); c.376G>T, p.Ala126Ser (NM_001372040.1); c.295G>T, p.Ala99Ser (NM_001372042.1); c.660+4555G>T (NM_001372039.1, NM_001372041.1); short protein forms A126S, A160S, A197S, A211S, A242S, A253S, A99S.
Identifiers: ClinVar variation 2663016 (VCV002663016.2), dbSNP rs746422062, ClinGen allele CA6276735.

ClinVar aggregate classification (germline): Uncertain significance. Review status: criteria provided, multiple submitters, no conflicts (2 of 4 stars). 2 submissions from 2 submitters: Uncertain significance (2). Last evaluated 2025-10-24.

Conditions:
Inborn genetic diseases. Identifiers: MedGen C0950123, MeSH D030342.

Allele frequency attached by ClinVar (database versions not stated): ExAC 0.00004; gnomAD 0.00003; gnomAD exomes 0.00003; TOPMed 0.00005.
gnomAD v4.1: 54 of 1,613,752 alleles (0.0033%); highest among the groups gnomAD compares: Non-Finnish European, 0.0042%; no homozygotes.

Submissions (2):

Ambry Genetics
Classification: Uncertain significance for Inborn genetic diseases. Last evaluated: 2025-10-24. Review status: criteria provided, single submitter. Criteria: Ambry Variant Classification Scheme 2023. Collection method: clinical testing. Allele origin: germline.

GeneDx
Classification: Uncertain significance. Last evaluated: 2023-04-19. Review status: criteria provided, single submitter. Criteria: GeneDx Variant Classification Process June 2021. Collection method: clinical testing. Allele origin: germline. Affected: yes.
Comment: Not observed at significant frequency in large population cohorts (gnomAD); In silico analysis supports that this missense variant does not alter protein structure/function; Has not been previously published as pathogenic or benign to our knowledge